The following is an entry in ClinVar:

ClinVar aggregate classification (germline): Conflicting classifications of pathogenicity. Review status: criteria provided, conflicting classifications (1 of 4 stars). 4 submissions from 4 submitters: Uncertain significance (2); Likely benign (2). Last evaluated 2026-07-01.

Conditions:
Epidermolysis bullosa dystrophica. Also called: Dystrophic epidermolysis bullosa; Dystrophic epidermolysis bullosa, Hallopeau-Siemens type (formerly). Identifiers: Orphanet 303, MedGen C0079294, MONDO:0006543.

Allele frequency attached by ClinVar (database versions not stated): ESP Exome Variant Server 0.00008; TOPMed 0.00014.
gnomAD v4.1: 328 of 1,612,936 alleles (0.02%); highest among the groups gnomAD compares: South Asian, 0.041%; 1 homozygote.

Submissions (4):

CeGaT Center for Human Genetics Tuebingen
Classification: Likely benign. Last evaluated: 2026-07-01. Review status: criteria provided, single submitter. Criteria: CeGaT Center For Human Genetics Tuebingen Variant Classification Criteria Version 2. Collection method: clinical testing. Allele origin: germline. Affected: yes. Observed: 3 variant alleles.
Comment: COL7A1: BP4

Labcorp Genetics (formerly Invitae), Labcorp
Classification: Likely benign. Last evaluated: 2026-01-28. Review status: criteria provided, single submitter. Criteria: Invitae Variant Classification Sherloc (09022015). Collection method: clinical testing. Allele origin: germline.

GeneDx
Classification: Uncertain significance. Last evaluated: 2022-05-16. Review status: criteria provided, single submitter. Criteria: GeneDx Variant Classification Process June 2021. Collection method: clinical testing. Allele origin: germline. Affected: yes.
Comment: In silico analysis supports that this missense variant does not alter protein structure/function; Has not been previously published as pathogenic or benign to our knowledge

Illumina Laboratory Services, Illumina
Classification: Uncertain significance for Dystrophic epidermolysis bullosa. Last evaluated: 2017-04-27. Review status: criteria provided, single submitter. Criteria: ICSL Variant Classification Criteria 13 December 2019. Collection method: clinical testing. Allele origin: germline.
Comment: This variant was observed as part of a predisposition screen in an ostensibly healthy population. A literature search was performed for the gene, cDNA change, and amino acid change (where applicable). Publications were found based on this search. However, the evidence from the literature, in combination with allele frequency data from public databases where available, was not sufficient to rule this variant in or out of causing disease. Therefore, this variant is classified as a variant of unknown significance.

Literature cited by the submitters: PubMed 19681861 (cited by Illumina Laboratory Services, Illumina).

NM_000094.4(COL7A1):c.2791C>T (p.Arg931Cys)

Gene: COL7A1 (collagen type VII alpha 1 chain; minus strand). Cytogenetic location: 3p21.31.
Variant type: single nucleotide variant.
Coding change: c.2791C>T on transcript NM_000094.4 (MANE Select); coding-DNA position 2791, C replaced by T.
Protein change: p.Arg931Cys; replaces arginine 931 with cysteine.
Molecular consequence: missense variant.
Genome position (GRCh38, 1-based): chr3:48,587,859, G>A on the plus strand (C>T on the coding strand, the complement: COL7A1 is on the minus strand). VCF-style: chr3-48587859-G-A. GRCh37 (hg19) VCF-style: chr3-48625292-G-A.
Other names: short protein forms R931C.
Identifiers: ClinVar variation 899785 (VCV000899785.36), dbSNP rs143979792, ClinGen allele CA2380751.
Genomic context (GRCh38, chr3:48,587,859, plus strand): 5'-GCGCAGTCACCTCTGCAGAGGGCCCTTCTCCAGCTGGCCCTAGGACACTCAGCCTCACGC[G>A]GTACTGTGTCGCTGGCTCCAGCCCGTCCAGGTGATAGCTGCTGAGCTCGGGCCCCAGGAC-3'
Protein context (NP_000085.1, residues 921-941): LDGLEPATQY[Arg931Cys]VRLSVLGPAG